The following is an entry in ClinVar:

ClinVar aggregate classification (germline): Uncertain significance. Review status: criteria provided, multiple submitters, no conflicts (2 of 4 stars). 2 submissions from 2 submitters: Uncertain significance (2). Last evaluated 2022-04-04.

Conditions:
Acrocallosal syndrome (ACLS). Also called: HALLUX DUPLICATION, POSTAXIAL POLYDACTYLY, AND ABSENCE OF CORPUS CALLOSUM; Schinzel syndrome 1; Absence of corpus callosum with unusual facial appearance, mental deficiency, duplication of the halluces and polydactyly. Identifiers: Orphanet 36, MedGen C0796147, MONDO:0008708, OMIM 200990.

Allele frequency attached by ClinVar (database versions not stated): gnomAD exomes below 0.00001.
gnomAD v4.1: 1 of 1,437,224 alleles (0.00007%); highest among the groups gnomAD compares: Admixed American, 0.0025%; no homozygotes.

Submissions (2):

Labcorp Genetics (formerly Invitae), Labcorp
Classification: Uncertain significance for Acrocallosal syndrome. Last evaluated: 2022-04-04. Review status: criteria provided, single submitter. Criteria: Invitae Variant Classification Sherloc (09022015). Collection method: clinical testing. Allele origin: germline.
Comment: In summary, the available evidence is currently insufficient to determine the role of this variant in disease. Therefore, it has been classified as a Variant of Uncertain Significance. Algorithms developed to predict the effect of missense changes on protein structure and function (SIFT, PolyPhen-2, Align-GVGD) all suggest that this variant is likely to be tolerated. This variant has not been reported in the literature in individuals affected with KIF7-related conditions. This variant is not present in population databases (gnomAD no frequency). This sequence change replaces glycine, which is neutral and non-polar, with serine, which is neutral and polar, at codon 449 of the KIF7 protein (p.Gly449Ser).

Blueprint Genetics
Classification: Uncertain significance. Last evaluated: 2022-03-28. Review status: criteria provided, single submitter. Criteria: ACMG Guidelines, 2015. Collection method: clinical testing. Allele origin: germline.

NM_198525.3(KIF7):c.1345G>A (p.Gly449Ser)

Gene: KIF7 (kinesin family member 7; minus strand). Cytogenetic location: 15q26.1.
Variant type: single nucleotide variant.
Coding change: c.1345G>A on transcript NM_198525.3 (MANE Select); coding-DNA position 1345, G replaced by A.
Protein change: p.Gly449Ser; replaces glycine 449 with serine.
Molecular consequence: missense variant.
Genome position (GRCh38, 1-based): chr15:89,648,353, C>T on the plus strand (G>A on the coding strand, the complement: KIF7 is on the minus strand). VCF-style: chr15-89648353-C-T. GRCh37 (hg19) VCF-style: chr15-90191584-C-T.
Other names: short protein forms G449S.
Identifiers: ClinVar variation 2119095 (VCV002119095.5), dbSNP rs2505493515, ClinGen allele CA393771099.